The following is an entry in ClinVar:

NM_006070.6(TFG):c.850C>G (p.Gln284Glu)

Gene: TFG (trafficking from ER to golgi regulator; plus strand). Cytogenetic location: 3q12.2.
Variant type: single nucleotide variant.
Coding change: c.850C>G on transcript NM_006070.6 (MANE Select); coding-DNA position 850, C replaced by G.
Protein change: p.Gln284Glu; replaces glutamine 284 with glutamic acid.
Molecular consequence: missense variant.
Genome position (GRCh38, 1-based): chr3:100,748,178, C>G. VCF-style: chr3-100748178-C-G. GRCh37 (hg19) VCF-style: chr3-100467022-C-G.
Other names: c.850C>G, p.Gln284Glu (NM_001007565.2, NM_001195478.2); c.838C>G, p.Gln280Glu (NM_001195479.2); short protein forms Q280E, Q284E.
Identifiers: ClinVar variation 1025286 (VCV001025286.8), dbSNP rs760894126, ClinGen allele CA2517219.
Genomic context (GRCh38, chr3:100,748,178, plus strand): 5'-AAGATACATGTTATTTATTTTGCCTTTTCAGCAAGCTATAGTCAGCAGACTGGACCTCAA[C>G]AACCTCAGCAGTTCCAGGGATATGGCCAGCAACCAACTTCCCAGGCACCAGCTCCTGCCT-3'
Protein context (NP_006061.2, residues 274-294): ASYSQQTGPQ[Gln284Glu]PQQFQGYGQQ

ClinVar aggregate classification (germline): Uncertain significance (1 of 4 stars; one submission).

Conditions:
Hereditary motor and sensory neuropathy, Okinawa type (HMSNO). Also called: HEREDITARY MOTOR AND SENSORY NEUROPATHY, PROXIMAL TYPE. Identifiers: Orphanet 90117, MedGen C1858338, MONDO:0011468, OMIM 604484.
Hereditary spastic paraplegia 57. Also called: Spastic paraplegia 57, autosomal recessive. Identifiers: Orphanet 431329, MedGen C3714897, MONDO:0014295, OMIM 615658.

Allele frequency attached by ClinVar (database versions not stated): gnomAD exomes 0.00001; ExAC 0.00001; TOPMed 0.00002.
gnomAD v4.1: 8 of 1,614,042 alleles (0.0005%); highest among the groups gnomAD compares: Non-Finnish European, 0.00059%; no homozygotes.

Submission:

Labcorp Genetics (formerly Invitae), Labcorp
Classification: Uncertain significance for Hereditary motor and sensory neuropathy, Okinawa type; Hereditary spastic paraplegia 57. Last evaluated: 2025-06-06. Review status: criteria provided, single submitter. Criteria: Invitae Variant Classification Sherloc (09022015). Collection method: clinical testing. Allele origin: germline.
Comment: This sequence change replaces glutamine, which is neutral and polar, with glutamic acid, which is acidic and polar, at codon 284 of the TFG protein (p.Gln284Glu). This variant is present in population databases (rs760894126, gnomAD 0.002%). This variant has not been reported in the literature in individuals affected with TFG-related conditions. ClinVar contains an entry for this variant (Variation ID: 1025286). Invitae Evidence Modeling of protein sequence and biophysical properties (such as structural, functional, and spatial information, amino acid conservation, physicochemical variation, residue mobility, and thermodynamic stability) indicates that this missense variant is not expected to disrupt TFG protein function with a negative predictive value of 80%. In summary, the available evidence is currently insufficient to determine the role of this variant in disease. Therefore, it has been classified as a Variant of Uncertain Significance.